The following is an entry in ClinVar:

NM_001195305.3(BBIP1):c.278_*16del (p.Ter93Xaa)

Gene: BBIP1 (BBSome interacting protein 1; minus strand). Cytogenetic location: 10q25.2.
Variant type: Deletion.
Coding change: c.278_*16del on transcript NM_001195305.3 (MANE Select); coding-DNA position 278 through 16 bases downstream of the stop codon, 18 bases deleted (GAATGATAACTGAGCACT).
Protein change: p.Ter93Xaa.
Molecular consequence: stop lost. On other transcripts: 3 prime UTR variant (1).
Genome position (GRCh38, 1-based): chr10:110,900,344-110,900,361, AGTGCTCAGTTATCATTC deleted on the plus strand (GAATGATAACTGAGCACT on the coding strand, the reverse complement: BBIP1 is on the minus strand); deleting any 18 consecutive bases within chr10:110,900,344-110,900,365 gives the same sequence; the c. name uses the placement nearest the transcript's 3' end. VCF-style (leftmost placement, unchanged base first): chr10-110900343-AAGTGCTCAGTTATCATTC-A. GRCh37 (hg19) VCF-style: chr10-112660101-AAGTGCTCAGTTATCATTC-A.
Other names: c.*123_*140del (NM_001195304.2); c.278_*16del, p.Ter93Xaa (NM_001195306.2); c.203_*16del, p.Ter68Xaa (NM_001195307.2); c.212_*16del, p.Ter71Xaa (NM_001243783.3).
Identifiers: ClinVar variation 3350089 (VCV003350089.1).

ClinVar aggregate classification (germline): Uncertain significance (0 of 4 stars; one submission).

Conditions:
BBIP1-related disorder. Also called: BBIP1-related condition.

Submission:

PreventionGenetics, part of Exact Sciences
Classification: Uncertain significance for BBIP1-related condition. Last evaluated: 2024-01-26. Review status: no assertion criteria provided. Collection method: clinical testing. Allele origin: germline.
Comment: The BBIP1 c.278_*16del18 variant is predicted to result in extension of the open reading frame (p.*93Pheext*10). This variant is predicted to extend the the reading frame by 10 codons (Alamut Visual Plus v.1.6.1). To our knowledge, this variant has not been reported in the literature or in a large population database, indicating this variant is rare. At this time, the clinical significance of this variant is uncertain due to the absence of conclusive functional and genetic evidence.